The following is an entry in ClinVar:

NM_020975.6(RET):c.183G>C (p.Glu61Asp)

Gene: RET (ret proto-oncogene; plus strand). Cytogenetic location: 10q11.21.
Variant type: single nucleotide variant.
Coding change: c.183G>C on transcript NM_020975.6 (MANE Select); coding-DNA position 183, G replaced by C.
Protein change: p.Glu61Asp; replaces glutamic acid 61 with aspartic acid.
Molecular consequence: missense variant.
Genome position (GRCh38, 1-based): chr10:43,100,568, G>C. VCF-style: chr10-43100568-G-C. GRCh37 (hg19) VCF-style: chr10-43596016-G-C.
Other names: c.183G>C, p.Glu61Asp (NM_000323.2, NM_001406743.1, NM_001406744.1 and 34 more transcripts); short protein forms E61D.
Identifiers: ClinVar variation 854084 (VCV000854084.10), dbSNP rs1235890606, ClinGen allele CA16622049.
Genomic context (GRCh38, chr10:43,100,568, plus strand): 5'-TGTGGACCAGGCAGCCGGCACGCCCTTGCTGTACGTCCATGCCCTGCGGGACGCCCCTGA[G>C]GAGGTGCCCAGCTTCCGCCTGGGCCAGCATCTCTACGGCACGTACCGCACACGGCTGCAT-3'
Protein context (NP_066124.1, residues 51-71): LYVHALRDAP[Glu61Asp]EVPSFRLGQH

ClinVar aggregate classification (germline): Uncertain significance (1 of 4 stars; one submission).

Conditions:
Multiple endocrine neoplasia, type 2 (MEN2). Identifiers: Orphanet 653, MedGen C4048306, MONDO:0019003. Disease mechanism: gain of function.

Allele frequency attached by ClinVar (database versions not stated): gnomAD exomes below 0.00001.
gnomAD v4.1: 1 of 1,613,908 alleles (0.000062%); highest among the groups gnomAD compares: Non-Finnish European, 0.000085%; no homozygotes.

Submission:

Labcorp Genetics (formerly Invitae), Labcorp
Classification: Uncertain significance for Multiple endocrine neoplasia, type 2. Last evaluated: 2019-03-23. Review status: criteria provided, single submitter. Criteria: Invitae Variant Classification Sherloc (09022015). Collection method: clinical testing. Allele origin: germline.
Comment: In summary, the available evidence is currently insufficient to determine the role of this variant in disease. Therefore, it has been classified as a Variant of Uncertain Significance. Algorithms developed to predict the effect of missense changes on protein structure and function output the following: SIFT: "Tolerated"; PolyPhen-2: "Benign"; Align-GVGD: "Class C0". The aspartic acid amino acid residue is found in multiple mammalian species, suggesting that this missense change does not adversely affect protein function. These predictions have not been confirmed by published functional studies and their clinical significance is uncertain. This variant has not been reported in the literature in individuals with RET-related conditions. This variant is not present in population databases (ExAC no frequency). This sequence change replaces glutamic acid with aspartic acid at codon 61 of the RET protein (p.Glu61Asp). The glutamic acid residue is weakly conserved and there is a small physicochemical difference between glutamic acid and aspartic acid.